The following is an entry in ClinVar:

ClinVar aggregate classification (germline): Uncertain significance (1 of 4 stars; one submission).

gnomAD v4.1: 15 of 398,382 alleles (0.0038%); highest among the groups gnomAD compares: Non-Finnish European, 0.0049%; no homozygotes.

Submission:

Women's Health and Genetics/Laboratory Corporation of America, LabCorp
Classification: Uncertain significance. Last evaluated: 2024-05-24. Review status: criteria provided, single submitter. Criteria: LabCorp Variant Classification Summary - May 2015. Collection method: clinical testing. Allele origin: germline.
Comment: Variant summary: VPS53 c.*1619C>G is located in the untranslated mRNA region downstream of the termination codon. The variant was absent in 1882 control chromosomes (gnomAD). The available data on variant occurrences in the general population are insufficient to allow any conclusion about variant significance. To our knowledge, no occurrence of c.*1619C>G in individuals affected with Pontocerebellar Hypoplasia, Type 2E and no experimental evidence demonstrating its impact on protein function have been reported. No submitters have cited clinical-significance assessments for this variant to ClinVar. Based on the evidence outlined above, the variant was classified as uncertain significance.

NM_001128159.3(VPS53):c.*1619C>G

Gene: VPS53 (VPS53 subunit of GARP complex; minus strand). Cytogenetic location: 17p13.3.
Variant type: single nucleotide variant.
Coding change: c.*1619C>G on transcript NM_001128159.3 (MANE Select); 1619 bases downstream of the stop codon, C replaced by G.
Molecular consequence: 3 prime UTR variant.
Genome position (GRCh38, 1-based): chr17:517,509, G>C on the plus strand (C>G on the coding strand, the complement: VPS53 is on the minus strand). VCF-style: chr17-517509-G-C. GRCh37 (hg19) VCF-style: chr17-420749-G-C.
Identifiers: ClinVar variation 3336391 (VCV003336391.1).
Genomic context (GRCh38, chr17:517,509, plus strand): 5'-CAGGCAGATTTCCAAACCTTATTCCTACTGTACGGCTGTTACAAGTTTTATGGATTTTAA[G>C]GAAATTTCCTCTATCCTGAAAACTTTTTGAGAAGGGGTCTTGCTCTGTCACCCAGGCTGG-3'